The following is an entry in ClinVar:

ClinVar aggregate classification (germline): Likely benign. Review status: criteria provided, multiple submitters, no conflicts (2 of 4 stars). 3 submissions from 3 submitters: Likely benign (3). Last evaluated 2025-11-21.

Conditions:
KMT2A-related disorder. Also called: KMT2A-related condition.

Allele frequency attached by ClinVar (database versions not stated): gnomAD 0.00001 and 0.00003; TOPMed 0.00003; gnomAD exomes 0.00007 and 0.00010; ExAC 0.00011; 1000 Genomes Project 30x 0.00016; 1000 Genomes Project 0.00020.
gnomAD v4.1: 157 of 1,613,828 alleles (0.0097%); highest among the groups gnomAD compares: East Asian, 0.31%; no homozygotes.

Submissions (3):

PreventionGenetics, part of Exact Sciences
Classification: Likely benign for KMT2A-related condition. Last evaluated: 2025-11-21. Review status: criteria provided, single submitter. Criteria: ACMG Guidelines, 2015. Collection method: clinical testing. Allele origin: germline.
Comment: This variant is classified as likely benign based on ACMG/AMP sequence variant interpretation guidelines (Richards et al. 2015 PMID: 25741868, with internal and published modifications).

Labcorp Genetics (formerly Invitae), Labcorp
Classification: Likely benign. Last evaluated: 2025-11-15. Review status: criteria provided, single submitter. Criteria: Invitae Variant Classification Sherloc (09022015). Collection method: clinical testing. Allele origin: germline.

Blueprint Genetics
Classification: Likely benign. Last evaluated: 2024-08-30. Review status: criteria provided, single submitter. Criteria: ACMG Guidelines, 2015. Collection method: clinical testing. Allele origin: germline.

NM_001197104.2(KMT2A):c.10875T>C (p.Asn3625=)

Gene: KMT2A (lysine methyltransferase 2A; plus strand). Cytogenetic location: 11q23.3.
Variant type: single nucleotide variant.
Coding change: c.10875T>C on transcript NM_001197104.2 (MANE Select); coding-DNA position 10875, T replaced by C.
Protein change: p.Asn3625=; no amino-acid change (asparagine 3625 retained).
Molecular consequence: synonymous variant.
Genome position (GRCh38, 1-based): chr11:118,509,175, T>C. VCF-style: chr11-118509175-T-C. GRCh37 (hg19) VCF-style: chr11-118379890-T-C.
Other names: c.10866T>C, p.Asn3622= (NM_005933.4).
Identifiers: ClinVar variation 729723 (VCV000729723.12), dbSNP rs199851071, ClinGen allele CA6304855.
Genomic context (GRCh38, chr11:118,509,175, plus strand): 5'-TTACATTTGGTTTTTATTTAGGCAAGTCGCTGTTCTTCCGGAAGTTCAGGTGACCCAAAA[T>C]CCAGCAAATGAACAAGAAAGTGCAGGTATGTGGGTGGGTAAAAGGTTAGAATCAGAGAAT-3'
Protein context (NP_001184033.1, residues 3615-3635): AVLPEVQVTQ[Asn3625=]PANEQESAEP